The following is an entry in ClinVar:

NM_004482.4(GALNT3):c.189G>A (p.Leu63=)

Gene: GALNT3 (polypeptide N-acetylgalactosaminyltransferase 3; minus strand). Cytogenetic location: 2q24.3.
Variant type: single nucleotide variant.
Coding change: c.189G>A on transcript NM_004482.4 (MANE Select); coding-DNA position 189, G replaced by A.
Protein change: p.Leu63=; no amino-acid change (leucine 63 retained).
Molecular consequence: synonymous variant.
Genome position (GRCh38, 1-based): chr2:165,770,512, C>T on the plus strand (G>A on the coding strand, the complement: GALNT3 is on the minus strand). VCF-style: chr2-165770512-C-T. GRCh37 (hg19) VCF-style: chr2-166627022-C-T.
Other names: c.189G>A (NM_004482.3).
Identifiers: ClinVar variation 1160409 (VCV001160409.14), dbSNP rs188814778, ClinGen allele CA1941275.

ClinVar aggregate classification (germline): Likely benign. Review status: criteria provided, multiple submitters, no conflicts (2 of 4 stars). 4 submissions from 4 submitters: Likely benign (3). 1 of the submissions does not count toward it. Last evaluated 2026-04-01.

Conditions:
GALNT3-related disorder. Also called: GALNT3-related condition.
Tumoral calcinosis, hyperphosphatemic, familial, 1. Also called: HYPEROSTOSIS WITH HYPERPHOSPHATEMIA; HYPEROSTOSIS-HYPERPHOSPHATEMIA SYNDROME; CORTICAL HYPEROSTOSIS WITH HYPERPHOSPHATEMIA; CALCINOSIS, TUMORAL, WITH HYPERPHOSPHATEMIA; LIPOCALCINOGRANULOMATOSIS; MORBUS TEUTSCHLAENDER. Identifiers: Orphanet 53715, MedGen C4692564, MONDO:0100252, OMIM 211900.

Allele frequency attached by ClinVar (database versions not stated): gnomAD exomes 0.00003 and 0.00011; ExAC 0.00011; ESP Exome Variant Server 0.00015; 1000 Genomes Project 0.00040; gnomAD 0.00040 and 0.00041; TOPMed 0.00043; 1000 Genomes Project 30x 0.00047.
gnomAD v4.1: 121 of 1,614,122 alleles (0.0075%); highest among the groups gnomAD compares: African/African-American, 0.11%; no homozygotes.

Submissions (4):

CeGaT Center for Human Genetics Tuebingen
Classification: Likely benign. Last evaluated: 2026-04-01. Review status: criteria provided, single submitter. Criteria: CeGaT Center For Human Genetics Tuebingen Variant Classification Criteria Version 2. Collection method: clinical testing. Allele origin: germline. Affected: yes. Observed: 1 variant allele.
Comment: GALNT3: BP4, BP7

Labcorp Genetics (formerly Invitae), Labcorp
Classification: Likely benign. Last evaluated: 2026-01-22. Review status: criteria provided, single submitter. Criteria: Invitae Variant Classification Sherloc (09022015). Collection method: clinical testing. Allele origin: germline.

Fulgent Genetics
Classification: Likely benign for Tumoral calcinosis, hyperphosphatemic, familial, 1. Last evaluated: 2021-07-17. Review status: criteria provided, single submitter. Criteria: ACMG Guidelines, 2015. Collection method: clinical testing. Allele origin: unknown.

PreventionGenetics, part of Exact Sciences
Classification: Likely benign for GALNT3-related condition. Last evaluated: 2019-07-30. Review status: no assertion criteria provided. Collection method: clinical testing. Allele origin: germline. Not counted in ClinVar's aggregate classification.
Comment: This variant is classified as likely benign based on ACMG/AMP sequence variant interpretation guidelines (Richards et al. 2015 PMID: 25741868, with internal and published modifications).